The following is an entry in ClinVar:

NM_018941.4(CLN8):c.636G>C (p.Trp212Cys)

Gene: CLN8 (CLN8 transmembrane ER and ERGIC protein; plus strand). Cytogenetic location: 8p23.3.
Variant type: single nucleotide variant.
Coding change: c.636G>C on transcript NM_018941.4 (MANE Select); coding-DNA position 636, G replaced by C.
Protein change: p.Trp212Cys; replaces tryptophan 212 with cysteine.
Molecular consequence: missense variant.
Genome position (GRCh38, 1-based): chr8:1,780,342, G>C. VCF-style: chr8-1780342-G-C. GRCh37 (hg19) VCF-style: chr8-1728508-G-C.
Other names: short protein forms W212C.
Identifiers: ClinVar variation 2192272 (VCV002192272.11), dbSNP rs757630666, ClinGen allele CA4599327.
Genomic context (GRCh38, chr8:1,780,342, plus strand): 5'-CAACCAGTGGCTGATGATTCACATGTTTCACTGCCGCATGGTTCTAACCTACCACATGTG[G>C]TGGGTGTGTTTCTGGCACTGGGACGGCCTGGTCAGCAGCCTGTATCTGCCTCATTTGACA-3'
Protein context (NP_061764.2, residues 202-222): HCRMVLTYHM[Trp212Cys]WVCFWHWDGL

ClinVar aggregate classification (germline): Uncertain significance. Review status: criteria provided, multiple submitters, no conflicts (2 of 4 stars). 3 submissions from 3 submitters: Uncertain significance (3). Last evaluated 2025-05-01.

Conditions:
Inborn genetic diseases. Identifiers: MedGen C0950123, MeSH D030342.
Neuronal ceroid lipofuscinosis. Also called: Neuronal Ceroid Lipofuscinoses. Identifiers: Orphanet 216, Orphanet 79263, MedGen C0027877, MONDO:0016295. Disease mechanism: loss of function.

Allele frequency attached by ClinVar (database versions not stated): ExAC 0.00001; gnomAD 0.00001; TOPMed 0.00002; gnomAD exomes 0.00005.
gnomAD v4.1: 72 of 1,614,154 alleles (0.0045%); highest among the groups gnomAD compares: Non-Finnish European, 0.0057%; no homozygotes.

Submissions (3):

CeGaT Center for Human Genetics Tuebingen
Classification: Uncertain significance. Last evaluated: 2025-05-01. Review status: criteria provided, single submitter. Criteria: CeGaT Center For Human Genetics Tuebingen Variant Classification Criteria Version 2. Collection method: clinical testing. Allele origin: germline. Affected: yes. Observed: 1 variant allele.
Comment: CLN8: PM2, PM3:Supporting

Ambry Genetics
Classification: Uncertain significance for Inborn genetic diseases. Last evaluated: 2025-04-13. Review status: criteria provided, single submitter. Criteria: Ambry Variant Classification Scheme 2023. Collection method: clinical testing. Allele origin: germline.

Labcorp Genetics (formerly Invitae), Labcorp
Classification: Uncertain significance for Neuronal ceroid lipofuscinosis. Last evaluated: 2022-06-06. Review status: criteria provided, single submitter. Criteria: Invitae Variant Classification Sherloc (09022015). Collection method: clinical testing. Allele origin: germline.
Comment: This sequence change replaces tryptophan, which is neutral and slightly polar, with cysteine, which is neutral and slightly polar, at codon 212 of the CLN8 protein (p.Trp212Cys). This variant is present in population databases (rs757630666, gnomAD 0.0009%). This variant has not been reported in the literature in individuals affected with CLN8-related conditions. Advanced modeling of protein sequence and biophysical properties (such as structural, functional, and spatial information, amino acid conservation, physicochemical variation, residue mobility, and thermodynamic stability) performed at Invitae indicates that this missense variant is expected to disrupt CLN8 protein function. In summary, the available evidence is currently insufficient to determine the role of this variant in disease. Therefore, it has been classified as a Variant of Uncertain Significance.